The following is an entry in ClinVar:

NM_006231.4(POLE):c.4915C>G (p.Leu1639Val)

Gene: POLE (DNA polymerase epsilon, catalytic subunit; minus strand). Cytogenetic location: 12q24.33.
Variant type: single nucleotide variant.
Coding change: c.4915C>G on transcript NM_006231.4 (MANE Select); coding-DNA position 4915, C replaced by G.
Protein change: p.Leu1639Val; replaces leucine 1639 with valine.
Molecular consequence: missense variant.
Genome position (GRCh38, 1-based): chr12:132,642,543, G>C on the plus strand (C>G on the coding strand, the complement: POLE is on the minus strand). VCF-style: chr12-132642543-G-C. GRCh37 (hg19) VCF-style: chr12-133219129-G-C.
Other names: short protein forms L1639V.
Identifiers: ClinVar variation 1717683 (VCV001717683.5), dbSNP rs747406959, ClinGen allele CA387377928.

ClinVar aggregate classification (germline): Uncertain significance (1 of 4 stars; one submission).

Submission:

Labcorp Genetics (formerly Invitae), Labcorp
Classification: Uncertain significance. Last evaluated: 2022-08-22. Review status: criteria provided, single submitter. Criteria: Invitae Variant Classification Sherloc (09022015). Collection method: clinical testing. Allele origin: germline.
Comment: In summary, the available evidence is currently insufficient to determine the role of this variant in disease. Therefore, it has been classified as a Variant of Uncertain Significance. Algorithms developed to predict the effect of missense changes on protein structure and function (SIFT, PolyPhen-2, Align-GVGD) all suggest that this variant is likely to be tolerated. This variant has not been reported in the literature in individuals affected with POLE-related conditions. This variant is not present in population databases (gnomAD no frequency). This sequence change replaces leucine, which is neutral and non-polar, with valine, which is neutral and non-polar, at codon 1639 of the POLE protein (p.Leu1639Val).